The following is an entry in ClinVar:

ClinVar aggregate classification (germline): Likely benign (1 of 4 stars; one submission).

Allele frequency attached by ClinVar (database versions not stated): ExAC 0.00013; ESP Exome Variant Server 0.00019; gnomAD 0.00026; TOPMed 0.00027; gnomAD exomes 0.00038.
gnomAD v4.1: 436 of 1,208,216 alleles (0.036%); highest among the groups gnomAD compares: Non-Finnish European, 0.047%; no homozygotes.

Submission:

CeGaT Center for Human Genetics Tuebingen
Classification: Likely benign. Last evaluated: 2023-04-01. Review status: criteria provided, single submitter. Criteria: CeGaT Center For Human Genetics Tuebingen Variant Classification Criteria Version 2. Collection method: clinical testing. Allele origin: germline. Affected: yes. Observed: 2 variant alleles.
Comment: ARMCX2: BP4, BP7, BS2

NM_177949.4(ARMCX2):c.294G>T (p.Val98=)

Gene: ARMCX2 (armadillo repeat containing X-linked 2; minus strand). Cytogenetic location: Xq22.1.
Variant type: single nucleotide variant.
Coding change: c.294G>T on transcript NM_177949.4 (MANE Select); coding-DNA position 294, G replaced by T.
Protein change: p.Val98=; no amino-acid change (valine 98 retained).
Molecular consequence: synonymous variant.
Genome position (GRCh38, 1-based): chrX:101,657,295, C>A on the plus strand (G>T on the coding strand, the complement: ARMCX2 is on the minus strand). VCF-style: chrX-101657295-C-A. GRCh37 (hg19) VCF-style: chrX-100912281-C-A.
Other names: c.294G>T, p.Val98= (NM_001282231.2, NM_014782.7).
Identifiers: ClinVar variation 2661070 (VCV002661070.24), dbSNP rs372074769, ClinGen allele CA10474332.
Genomic context (GRCh38, chrX:101,657,295, plus strand): 5'-TGCCTCTTGGGCCTGACTGCCTGCCCCACTCTGAGCCTCAGCGCTGGATGCAGCTGGGGC[C>A]ACTGCCTCAGCTCCAACTGTGTCCAGAGCAGAGGCTTCATCCTGGGCCCTGTCCTCTGCT-3'
Protein context (NP_808818.1, residues 88-108): SALDTVGAEA[Val98=]APAASSAEAQ